The following is an entry in ClinVar:

ClinVar aggregate classification (germline): Uncertain significance. Review status: criteria provided, multiple submitters, no conflicts (2 of 4 stars). 3 submissions from 3 submitters: Uncertain significance (2). 1 of the submissions does not count toward it. Last evaluated 2024-07-15.

Conditions:
Retinitis pigmentosa 26 (RP26). Identifiers: Orphanet 791, MedGen C1842127, MONDO:0012024, OMIM 608380.
Inborn genetic diseases. Identifiers: MedGen C0950123, MeSH D030342.

Allele frequency attached by ClinVar (database versions not stated): gnomAD 0.00001; gnomAD exomes 0.00001 and 0.00002; ExAC 0.00002; ESP Exome Variant Server 0.00008.
gnomAD v4.1: 8 of 1,614,056 alleles (0.0005%); highest among the groups gnomAD compares: Middle Eastern, 0.049%; no homozygotes.

Submissions (3):

Ambry Genetics
Classification: Uncertain significance for Inborn genetic diseases. Last evaluated: 2024-07-15. Review status: criteria provided, single submitter. Criteria: Ambry Variant Classification Scheme 2023. Collection method: clinical testing. Allele origin: germline.

Labcorp Genetics (formerly Invitae), Labcorp
Classification: Uncertain significance. Last evaluated: 2022-07-25. Review status: criteria provided, single submitter. Criteria: Invitae Variant Classification Sherloc (09022015). Collection method: clinical testing. Allele origin: germline.
Comment: This sequence change replaces valine, which is neutral and non-polar, with isoleucine, which is neutral and non-polar, at codon 428 of the CERKL protein (p.Val428Ile). This variant is present in population databases (rs372755116, gnomAD 0.004%). This variant has not been reported in the literature in individuals affected with CERKL-related conditions. ClinVar contains an entry for this variant (Variation ID: 968233). Algorithms developed to predict the effect of missense changes on protein structure and function output the following: SIFT: "Tolerated"; PolyPhen-2: "Benign"; Align-GVGD: "Class C0". The isoleucine amino acid residue is found in multiple mammalian species, which suggests that this missense change does not adversely affect protein function. In summary, the available evidence is currently insufficient to determine the role of this variant in disease. Therefore, it has been classified as a Variant of Uncertain Significance.

Natera, Inc.
Classification: Uncertain significance for Retinitis Pigmentosa 26. Last evaluated: 2020-11-20. Review status: no assertion criteria provided. Collection method: clinical testing. Allele origin: germline. Not counted in ClinVar's aggregate classification.

NM_201548.5(CERKL):c.1204G>A (p.Val402Ile)

Gene: CERKL (CERK like autophagy regulator; minus strand). Cytogenetic location: 2q31.3.
Variant type: single nucleotide variant.
Coding change: c.1204G>A on transcript NM_201548.5 (MANE Select); coding-DNA position 1204, G replaced by A.
Protein change: p.Val402Ile; replaces valine 402 with isoleucine.
Molecular consequence: missense variant. On other transcripts: non-coding transcript variant (2).
Genome position (GRCh38, 1-based): chr2:181,547,682, C>T on the plus strand (G>A on the coding strand, the complement: CERKL is on the minus strand). VCF-style: chr2-181547682-C-T. GRCh37 (hg19) VCF-style: chr2-182412409-C-T.
Other names: c.1282G>A, p.Val428Ile (NM_001030311.3); c.865G>A, p.Val289Ile (NM_001030312.3); c.997G>A, p.Val333Ile (NM_001030313.3); c.1150G>A, p.Val384Ile (NM_001160277.2); short protein forms V402I, V428I, V333I, V384I, V289I.
Identifiers: ClinVar variation 968233 (VCV000968233.8), dbSNP rs372755116, ClinGen allele CA2010500.